The following is an entry in ClinVar:

NM_177438.3(DICER1):c.2418G>A (p.Thr806=)

Gene: DICER1 (dicer 1, ribonuclease III; minus strand). Cytogenetic location: 14q32.13.
Variant type: single nucleotide variant.
Coding change: c.2418G>A on transcript NM_177438.3 (MANE Select); coding-DNA position 2418, G replaced by A.
Protein change: p.Thr806=; no amino-acid change (threonine 806 retained).
Molecular consequence: synonymous variant.
Genome position (GRCh38, 1-based): chr14:95,108,342, C>T on the plus strand (G>A on the coding strand, the complement: DICER1 is on the minus strand). VCF-style: chr14-95108342-C-T. GRCh37 (hg19) VCF-style: chr14-95574679-C-T.
Other names: c.2418G>A, p.Thr806= (NM_001195573.1, NM_001271282.3, NM_001291628.2 and 1 more transcripts).
Identifiers: ClinVar variation 851222 (VCV000851222.14), dbSNP rs779385204, ClinGen allele CA7331248.

ClinVar aggregate classification (germline): Benign/Likely benign. Review status: criteria provided, multiple submitters, no conflicts (2 of 4 stars). 3 submissions from 3 submitters: Benign (1); Likely benign (2). Last evaluated 2026-04-16.

Conditions:
DICER1-related tumor predisposition. Also called: DICER1 syndrome; DICER1-related pleuropulmonary blastoma cancer predisposition syndrome. Identifiers: Orphanet 284343, MedGen C3839822, MONDO:0100216.
Hereditary cancer-predisposing syndrome. Also called: Neoplastic Syndromes, Hereditary; Tumor predisposition; Hereditary neoplastic syndrome; Hereditary Cancer Syndrome. Identifiers: Orphanet 140162, MedGen C0027672, MeSH D009386, MONDO:0015356.

Allele frequency attached by ClinVar (database versions not stated): gnomAD exomes 0.00001; ExAC 0.00002.
gnomAD v4.1: 7 of 1,613,812 alleles (0.00043%); highest among the groups gnomAD compares: Admixed American, 0.0033%; no homozygotes.

Submissions (3):

Myriad Genetics, Inc.
Classification: Benign for DICER1-related tumor predisposition. Last evaluated: 2026-04-16. Review status: criteria provided, single submitter. Criteria: Myriad Autosomal Dominant, Autosomal Recessive and X-Linked Classification Criteria (2023). Collection method: clinical testing. Allele origin: unknown.
Comment: This variant is considered benign. This variant is a silent/synonymous amino acid change and it is not expected to impact splicing.

Labcorp Genetics (formerly Invitae), Labcorp
Classification: Likely benign for DICER1-related tumor predisposition. Last evaluated: 2025-06-15. Review status: criteria provided, single submitter. Criteria: Invitae Variant Classification Sherloc (09022015). Collection method: clinical testing. Allele origin: germline.

Ambry Genetics
Classification: Likely benign for Hereditary cancer-predisposing syndrome. Last evaluated: 2020-09-15. Review status: criteria provided, single submitter. Criteria: Ambry Variant Classification Scheme 2023. Collection method: clinical testing. Allele origin: germline.